The following is an entry in ClinVar:

ClinVar aggregate classification (germline): Benign. Review status: criteria provided, multiple submitters, no conflicts (2 of 4 stars). 2 submissions from 2 submitters: Benign (2). Last evaluated 2018-01-13.

Conditions:
Immunodeficiency-centromeric instability-facial anomalies syndrome 1 (ICF1). Identifiers: Orphanet 2268, MedGen C4551557, MONDO:0009454, OMIM 242860.

Allele frequency attached by ClinVar (database versions not stated): 1000 Genomes Project 0.00919; 1000 Genomes Project 30x 0.00953; gnomAD exomes 0.01242 and 0.03104; TOPMed 0.01976; gnomAD 0.02000 and 0.02116.

Submissions (2):

Illumina Laboratory Services, Illumina
Classification: Benign for Immunodeficiency-centromeric instability-facial anomalies syndrome 1. Last evaluated: 2018-01-13. Review status: criteria provided, single submitter. Criteria: ICSL Variant Classification Criteria 13 December 2019. Collection method: clinical testing. Allele origin: germline.
Comment: This variant was observed in the ICSL laboratory as part of a predisposition screen in an ostensibly healthy population. It had not been previously curated by ICSL or reported in the Human Gene Mutation Database (HGMD: prior to June 1st, 2018), and was therefore a candidate for classification through an automated scoring system. Utilizing variant allele frequency, disease prevalence and penetrance estimates, and inheritance mode, an automated score was calculated to assess if this variant is too frequent to cause the disease. Based on the score and internal cut-off values, a variant classified as benign is not then subjected to further curation. The score for this variant resulted in a classification of benign for this disease.

Breakthrough Genomics
Classification: Benign. Review status: criteria provided, single submitter. Criteria: ACMG Guidelines, 2015. Collection method: not provided. Allele origin: germline. Inheritance: Autosomal recessive inheritance. Affected: yes.

NM_006892.4(DNMT3B):c.-274C>T

Genes: DNMT3B (DNA methyltransferase 3 beta; plus strand), LOC130065670 (ATAC-STARR-seq lymphoblastoid silent region 12808; plus strand). Cytogenetic location: 20q11.21.
Variant type: single nucleotide variant.
Coding change: c.-274C>T on transcript NM_006892.4 (MANE Select); 274 bases upstream of the start codon, C replaced by T.
Molecular consequence: 5 prime UTR variant.
Genome position (GRCh38, 1-based): chr20:32,762,432, C>T. VCF-style: chr20-32762432-C-T. GRCh37 (hg19) VCF-style: chr20-31350238-C-T.
Other names: c.-274C>T (LRG_56t1, NM_001207055.2, NM_001207056.2 and 2 more transcripts).
Identifiers: ClinVar variation 338146 (VCV000338146.6), dbSNP rs139762513, ClinGen allele CA9809925.